The following is an entry in ClinVar:

ClinVar aggregate classification (germline): Likely benign. Review status: criteria provided, multiple submitters, no conflicts (2 of 4 stars). 4 submissions from 4 submitters: Likely benign (2). 2 of the submissions do not count toward it. Last evaluated 2025-11-22.

Conditions:
Autosomal recessive limb-girdle muscular dystrophy type 2J (LGMDR10). Also called: MUSCULAR DYSTROPHY, LIMB-GIRDLE, AUTOSOMAL RECESSIVE 10; Limb-girdle muscular dystrophy, type 2J. Identifiers: Orphanet 140922, MedGen C1837342, MONDO:0012127, OMIM 608807.
Dilated cardiomyopathy 1G (CMD1G). Identifiers: Orphanet 154, MedGen C1858763, MONDO:0011400, OMIM 604145.

Allele frequency attached by ClinVar (database versions not stated): ExAC 0.00001; gnomAD 0.00001; TOPMed 0.00001; gnomAD exomes 0.00002 and 0.00006.
gnomAD v4.1: 81 of 1,613,376 alleles (0.005%); highest among the groups gnomAD compares: Non-Finnish European, 0.0069%; 1 homozygote.

Submissions (4):

Labcorp Genetics (formerly Invitae), Labcorp
Classification: Likely benign for Dilated cardiomyopathy 1G; Autosomal recessive limb-girdle muscular dystrophy type 2J. Last evaluated: 2025-11-22. Review status: criteria provided, single submitter. Criteria: Invitae Variant Classification Sherloc (09022015). Collection method: clinical testing. Allele origin: germline.

GeneDx
Classification: Likely benign. Last evaluated: 2018-01-18. Review status: criteria provided, single submitter. Criteria: GeneDx Variant Classification (06012015). Collection method: clinical testing. Allele origin: germline. Affected: yes.
Comment: This variant is considered likely benign or benign based on one or more of the following criteria: it is a conservative change, it occurs at a poorly conserved position in the protein, it is predicted to be benign by multiple in silico algorithms, and/or has population frequency not consistent with disease.

Clinical Genetics DNA and cytogenetics Diagnostics Lab, Erasmus MC, Erasmus Medical Center
Classification: Benign. Review status: no assertion criteria provided. Collection method: clinical testing. Allele origin: germline. Affected: yes. Study: VKGL Data-share Consensus. Not counted in ClinVar's aggregate classification.

Genome Diagnostics Laboratory, University Medical Center Utrecht
Classification: Likely benign. Review status: no assertion criteria provided. Collection method: clinical testing. Allele origin: germline. Affected: yes. Study: VKGL Data-share Consensus. Not counted in ClinVar's aggregate classification.

NM_001267550.2(TTN):c.39128-16A>G

Gene: TTN (titin; minus strand). Cytogenetic location: 2q31.2.
Variant type: single nucleotide variant.
Coding change: c.39128-16A>G on transcript NM_001267550.2 (MANE Select); 16 bases into the intron before coding-DNA position 39128, A replaced by G.
Molecular consequence: intron variant.
Genome position (GRCh38, 1-based): chr2:178,652,363, T>C on the plus strand (A>G on the coding strand, the complement: TTN is on the minus strand). VCF-style: chr2-178652363-T-C. GRCh37 (hg19) VCF-style: chr2-179517090-T-C.
Other names: c.34607-16A>G (NM_001256850.1); c.13283-10046A>G (NM_003319.4); c.13859-10046A>G (NM_133437.4); c.13658-10046A>G (NM_133432.3); c.31826-16A>G (NM_133378.4).
Identifiers: ClinVar variation 514962 (VCV000514962.11), dbSNP rs769738352, ClinGen allele CA1996847.